The following is an entry in ClinVar:

NM_000122.2(ERCC3):c.1129C>T (p.Gln377Ter)

Gene: ERCC3 (ERCC excision repair 3, TFIIH core complex helicase subunit; minus strand). Cytogenetic location: 2q14.3.
Variant type: single nucleotide variant.
Coding change: c.1129C>T on transcript NM_000122.2 (MANE Select); coding-DNA position 1129, C replaced by T.
Protein change: p.Gln377Ter; replaces glutamine 377 with a stop codon.
Molecular consequence: nonsense.
Genome position (GRCh38, 1-based): chr2:127,286,916, G>A on the plus strand (C>T on the coding strand, the complement: ERCC3 is on the minus strand). VCF-style: chr2-127286916-G-A. GRCh37 (hg19) VCF-style: chr2-128044492-G-A.
Other names: c.937C>T, p.Gln313Ter (NM_001303416.2, NM_001303418.2); short protein forms Q377*, Q313*.
Identifiers: ClinVar variation 2169501 (VCV002169501.4), dbSNP rs781006740, ClinGen allele CA1858346.
Genomic context (GRCh38, chr2:127,286,916, plus strand): 5'-TGGCATCGGAGGTGAACCGGCAGATCTGGCTGTCGTCAATGGTGGACCACATCTTGAACT[G>A]GGCTTTCCACTGCTCCACAGAAACAGCTGAGTTGCCCAGCACCAGACAGCGTTTTCTGAC-3'

ClinVar aggregate classification (germline): Pathogenic (1 of 4 stars; one submission).

Allele frequency attached by ClinVar (database versions not stated): gnomAD exomes 0.00001; ExAC 0.00002.
gnomAD v4.1: 3 of 1,614,200 alleles (0.00019%); highest among the groups gnomAD compares: Admixed American, 0.005%; no homozygotes.

Submission:

Labcorp Genetics (formerly Invitae), Labcorp
Classification: Pathogenic. Last evaluated: 2022-08-16. Review status: criteria provided, single submitter. Criteria: Invitae Variant Classification Sherloc (09022015). Collection method: clinical testing. Allele origin: germline.
Comment: For these reasons, this variant has been classified as Pathogenic. This premature translational stop signal has been observed in individual(s) with hereditary breast and ovarian cancer syndrome (PMID: 30262796). This variant is present in population databases (rs781006740, gnomAD 0.009%). This sequence change creates a premature translational stop signal (p.Gln377*) in the ERCC3 gene. It is expected to result in an absent or disrupted protein product. Loss-of-function variants in ERCC3 are known to be pathogenic (PMID: 16947863).

Literature cited by the submitters: PubMed 30262796; PubMed 16947863.